The following is an entry in ClinVar:

ClinVar aggregate classification (germline): Benign. Review status: criteria provided, multiple submitters, no conflicts (2 of 4 stars). 5 submissions from 5 submitters: Benign (5). Last evaluated 2026-02-01.

Conditions:
Intellectual disability, autosomal recessive 42 (NEDDSBA). Also called: GLYCOSYLPHOSPHATIDYLINOSITOL BIOSYNTHESIS DEFECT 9; Neurodevelopmental disorder with dysmorphic features, spasticity, and brain abnormalities. Identifiers: Orphanet 88616, MedGen C4014343, MONDO:0014348, OMIM 615802.
Hereditary spastic paraplegia. Also called: Familial spastic paraparesis. Identifiers: Orphanet 685, MedGen C0037773, MONDO:0019064. Disease mechanism: loss of function.

Allele frequency attached by ClinVar (database versions not stated): gnomAD exomes 0.01111; ExAC 0.01398; gnomAD 0.04255 and 0.04584; 1000 Genomes Project 0.04413; 1000 Genomes Project 30x 0.04482; TOPMed 0.04849; ESP Exome Variant Server 0.04921.
gnomAD v4.1: 12,293 of 1,586,166 alleles (0.78%); highest among the groups gnomAD compares: African/African-American, 15%; 838 homozygotes.

Submissions (19):

Labcorp Genetics (formerly Invitae), Labcorp
Classification: Benign for Intellectual disability, autosomal recessive 42. Last evaluated: 2026-02-01. Review status: criteria provided, single submitter. Criteria: Invitae Variant Classification Sherloc (09022015). Collection method: clinical testing. Allele origin: germline.

Mayo Clinic Laboratories, Mayo Clinic
Classification: Benign. Last evaluated: 2022-03-24. Review status: criteria provided, single submitter. Criteria: ACMG Guidelines, 2015. Collection method: clinical testing. Allele origin: germline. Observed: 3 variant alleles.

Genome Diagnostics Laboratory, The Hospital for Sick Children
Classification: Benign for Hereditary spastic paraplegia. Last evaluated: 2021-10-27. Review status: criteria provided, single submitter. Criteria: ACMG Guidelines, 2015. Collection method: clinical testing. Allele origin: germline. Affected: yes.

GeneDx
Classification: Benign. Last evaluated: 2018-06-14. Review status: criteria provided, single submitter. Criteria: GeneDx Variant Classification (06012015). Collection method: clinical testing. Allele origin: germline. Affected: yes.
Comment: This variant is considered likely benign or benign based on one or more of the following criteria: it is a conservative change, it occurs at a poorly conserved position in the protein, it is predicted to be benign by multiple in silico algorithms, and/or has population frequency not consistent with disease.

Breakthrough Genomics
Classification: Benign. Review status: criteria provided, single submitter. Criteria: ACMG Guidelines, 2015. Collection method: not provided. Allele origin: germline. Inheritance: Autosomal recessive inheritance. Affected: yes.

Dr. Peter K. Rogan Lab, Western University
No classification provided (evidence only). Condition: Lung cancer. Review status: no classification provided. Collection method: in vitro. Allele origin: not applicable. Functional consequence: retained intron. Not counted in ClinVar's aggregate classification.

Dr. Peter K. Rogan Lab, Western University
No classification provided (evidence only). Condition: Lung cancer. Review status: no classification provided. Collection method: in vitro. Allele origin: not applicable. Functional consequence: retained intron. Not counted in ClinVar's aggregate classification.

Dr. Peter K. Rogan Lab, Western University
No classification provided (evidence only). Condition: Familial cancer of breast. Review status: no classification provided. Collection method: in vitro. Allele origin: not applicable. Functional consequence: retained intron. Not counted in ClinVar's aggregate classification.

Dr. Peter K. Rogan Lab, Western University
No classification provided (evidence only). Condition: Acute myeloid leukemia. Review status: no classification provided. Collection method: in vitro. Allele origin: not applicable. Functional consequence: retained intron. Not counted in ClinVar's aggregate classification.

Dr. Peter K. Rogan Lab, Western University
No classification provided (evidence only). Condition: Acute myeloid leukemia. Review status: no classification provided. Collection method: in vitro. Allele origin: not applicable. Functional consequence: retained intron. Not counted in ClinVar's aggregate classification.

Dr. Peter K. Rogan Lab, Western University
No classification provided (evidence only). Condition: Acute myeloid leukemia. Review status: no classification provided. Collection method: in vitro. Allele origin: not applicable. Functional consequence: retained intron. Not counted in ClinVar's aggregate classification.

Dr. Peter K. Rogan Lab, Western University
No classification provided (evidence only). Condition: Cervical cancer. Review status: no classification provided. Collection method: in vitro. Allele origin: not applicable. Functional consequence: retained intron. Not counted in ClinVar's aggregate classification.

Dr. Peter K. Rogan Lab, Western University
No classification provided (evidence only). Condition: Nonpapillary renal cell carcinoma. Review status: no classification provided. Collection method: in vitro. Allele origin: not applicable. Functional consequence: retained intron. Not counted in ClinVar's aggregate classification.

Dr. Peter K. Rogan Lab, Western University
No classification provided (evidence only). Condition: Thymoma. Review status: no classification provided. Collection method: in vitro. Allele origin: not applicable. Functional consequence: retained intron. Not counted in ClinVar's aggregate classification.

Dr. Peter K. Rogan Lab, Western University
No classification provided (evidence only). Condition: Cholangiocarcinoma. Review status: no classification provided. Collection method: in vitro. Allele origin: not applicable. Functional consequence: retained intron. Not counted in ClinVar's aggregate classification.

Dr. Peter K. Rogan Lab, Western University
No classification provided (evidence only). Condition: Ovarian serous cystadenocarcinoma. Review status: no classification provided. Collection method: in vitro. Allele origin: not applicable. Functional consequence: retained intron. Not counted in ClinVar's aggregate classification.

Dr. Peter K. Rogan Lab, Western University
No classification provided (evidence only). Condition: Ovarian serous cystadenocarcinoma. Review status: no classification provided. Collection method: in vitro. Allele origin: not applicable. Functional consequence: retained intron. Not counted in ClinVar's aggregate classification.

Dr. Peter K. Rogan Lab, Western University
No classification provided (evidence only). Condition: Adrenocortical carcinoma, hereditary. Review status: no classification provided. Collection method: in vitro. Allele origin: not applicable. Functional consequence: retained intron. Not counted in ClinVar's aggregate classification.

Dr. Peter K. Rogan Lab, Western University
No classification provided (evidence only). Condition: Malignant tumor of esophagus. Review status: no classification provided. Collection method: in vitro. Allele origin: not applicable. Functional consequence: retained intron. Not counted in ClinVar's aggregate classification.

NM_024989.4(PGAP1):c.1862-3C>T

Gene: PGAP1 (post-GPI attachment to proteins inositol deacylase 1; minus strand). Cytogenetic location: 2q33.1.
Variant type: single nucleotide variant.
Coding change: c.1862-3C>T on transcript NM_024989.4 (MANE Select); 3 bases into the intron before coding-DNA position 1862, C replaced by T.
Molecular consequence: intron variant.
Genome position (GRCh38, 1-based): chr2:196,848,040, G>A on the plus strand (C>T on the coding strand, the complement: PGAP1 is on the minus strand). VCF-style: chr2-196848040-G-A. GRCh37 (hg19) VCF-style: chr2-197712764-G-A.
Other names: p.?; c.695-3C>T (NM_001321100.2); c.1340-3C>T (NM_001321099.2).
Identifiers: ClinVar variation 673057 (VCV000673057.19), dbSNP rs73988069, ClinGen allele CA2040762.
Genomic context (GRCh38, chr2:196,848,040, plus strand): 5'-TCAACTTTGTATGGTTTGGCTTCTTTATCCAACATGGTAGCATATTCTAAGCAACAACCT[G>A]GTGATTTAAAAAAAGTTACATGCAATTTACAGTAATTAAGTATGAGATATACTATATCCC-3'